The following is an entry in ClinVar:

ClinVar aggregate classification (germline): Uncertain significance (1 of 4 stars; one submission).

Allele frequency attached by ClinVar (database versions not stated): gnomAD exomes below 0.00001.
gnomAD v4.1: 6 of 1,613,690 alleles (0.00037%); highest among the groups gnomAD compares: African/African-American, 0.0027%; no homozygotes.

Submission:

Labcorp Genetics (formerly Invitae), Labcorp
Classification: Uncertain significance. Last evaluated: 2022-10-24. Review status: criteria provided, single submitter. Criteria: Invitae Variant Classification Sherloc (09022015). Collection method: clinical testing. Allele origin: germline.
Comment: This sequence change replaces glutamic acid, which is acidic and polar, with glutamine, which is neutral and polar, at codon 134 of the TTC37 protein (p.Glu134Gln). This variant is not present in population databases (gnomAD no frequency). This variant has not been reported in the literature in individuals affected with TTC37-related conditions. Algorithms developed to predict the effect of missense changes on protein structure and function (SIFT, PolyPhen-2, Align-GVGD) all suggest that this variant is likely to be tolerated. In summary, the available evidence is currently insufficient to determine the role of this variant in disease. Therefore, it has been classified as a Variant of Uncertain Significance.

NM_014639.4(SKIC3):c.400G>C (p.Glu134Gln)

Gene: SKIC3 (SKI3 subunit of superkiller complex; minus strand). Cytogenetic location: 5q15.
Variant type: single nucleotide variant.
Coding change: c.400G>C on transcript NM_014639.4 (MANE Select); coding-DNA position 400, G replaced by C.
Protein change: p.Glu134Gln; replaces glutamic acid 134 with glutamine.
Molecular consequence: missense variant.
Genome position (GRCh38, 1-based): chr5:95,541,307, C>G on the plus strand (G>C on the coding strand, the complement: SKIC3 is on the minus strand). VCF-style: chr5-95541307-C-G. GRCh37 (hg19) VCF-style: chr5-94877011-C-G.
Other names: short protein forms E134Q.
Identifiers: ClinVar variation 2069606 (VCV002069606.1), dbSNP rs1748065931, ClinGen allele CA360443669.
Genomic context (GRCh38, chr5:95,541,307, plus strand): 5'-TGAGTCACCGCGCCCAGCCCATCTATTATTAAAAGAAGTCAGAAAATCATTCACCAACCT[C>G]TAGGTGTTTCTTTTCTTGGTAATATAGATCCACAAGTTTCTTGCAGACATCACACCACTT-3'
Protein context (NP_055454.1, residues 124-144): DLYYQEKKHL[Glu134Gln]VARTWHKLIK